The following is an entry in ClinVar:

NM_004260.4(RECQL4):c.230G>A (p.Cys77Tyr)

Gene: RECQL4 (RecQ like helicase 4; minus strand). Cytogenetic location: 8q24.3.
Variant type: single nucleotide variant.
Coding change: c.230G>A on transcript NM_004260.4 (MANE Select); coding-DNA position 230, G replaced by A.
Protein change: p.Cys77Tyr; replaces cysteine 77 with tyrosine.
Molecular consequence: missense variant.
Genome position (GRCh38, 1-based): chr8:144,517,174, C>T on the plus strand (G>A on the coding strand, the complement: RECQL4 is on the minus strand). VCF-style: chr8-144517174-C-T. GRCh37 (hg19) VCF-style: chr8-145742558-C-T.
Other names: short protein forms C77Y.
Identifiers: ClinVar variation 582260 (VCV000582260.31), dbSNP rs373705170, ClinGen allele CA4949413.

ClinVar aggregate classification (germline): Uncertain significance. Review status: criteria provided, multiple submitters, no conflicts (2 of 4 stars). 3 submissions from 3 submitters: Uncertain significance (3). Last evaluated 2025-12-09.

Conditions:
Inborn genetic diseases. Identifiers: MedGen C0950123, MeSH D030342.
Baller-Gerold syndrome (BGS). Also called: CRANIOSYNOSTOSIS WITH RADIAL DEFECTS. Identifiers: Orphanet 1225, MedGen C0265308, MONDO:0009039, OMIM 218600.

Allele frequency attached by ClinVar (database versions not stated): gnomAD 0.00010 and 0.00011; TOPMed 0.00011; ESP Exome Variant Server 0.00017.
gnomAD v4.1: 28 of 1,606,434 alleles (0.0017%); highest among the groups gnomAD compares: African/African-American, 0.032%; no homozygotes.

Submissions (3):

Labcorp Genetics (formerly Invitae), Labcorp
Classification: Uncertain significance for Baller-Gerold syndrome. Last evaluated: 2025-12-09. Review status: criteria provided, single submitter. Criteria: Invitae Variant Classification Sherloc (09022015). Collection method: clinical testing. Allele origin: germline.
Comment: This sequence change replaces cysteine, which is neutral and slightly polar, with tyrosine, which is neutral and polar, at codon 77 of the RECQL4 protein (p.Cys77Tyr). This variant is present in population databases (rs373705170, gnomAD 0.04%). This variant has not been reported in the literature in individuals affected with RECQL4-related conditions. ClinVar contains an entry for this variant (Variation ID: 582260). Invitae Evidence Modeling of protein sequence and biophysical properties (such as structural, functional, and spatial information, amino acid conservation, physicochemical variation, residue mobility, and thermodynamic stability) indicates that this missense variant is expected to disrupt RECQL4 protein function with a positive predictive value of 80%. In summary, the available evidence is currently insufficient to determine the role of this variant in disease. Therefore, it has been classified as a Variant of Uncertain Significance.

Ambry Genetics
Classification: Uncertain significance for Inborn genetic diseases. Last evaluated: 2024-11-20. Review status: criteria provided, single submitter. Criteria: Ambry Variant Classification Scheme 2023. Collection method: clinical testing. Allele origin: germline.
Comment: The p.C77Y variant (also known as c.230G>A), located in coding exon 4 of the RECQL4 gene, results from a G to A substitution at nucleotide position 230. The cysteine at codon 77 is replaced by tyrosine, an amino acid with highly dissimilar properties. This amino acid position is conserved. In addition, the in silico prediction for this alteration is inconclusive. Based on the available evidence, the clinical significance of this variant remains unclear.

CeGaT Center for Human Genetics Tuebingen
Classification: Uncertain significance. Last evaluated: 2023-11-01. Review status: criteria provided, single submitter. Criteria: CeGaT Center For Human Genetics Tuebingen Variant Classification Criteria Version 2. Collection method: clinical testing. Allele origin: germline. Affected: yes. Observed: 1 variant allele.